The following is an entry in ClinVar:

NM_001278.5(CHUK):c.933+11dup

Gene: CHUK (component of inhibitor of nuclear factor kappa B kinase complex; minus strand). Cytogenetic location: 10q24.31.
Variant type: Duplication.
Coding change: c.933+11dup on transcript NM_001278.5 (MANE Select); 11 bases into the intron after coding-DNA position 933, one base duplicated (A; older notation c.933+11dupA).
Molecular consequence: intron variant.
Genome position (GRCh38, 1-based): chr10:100,217,984, T duplicated on the plus strand (A on the coding strand, the reverse complement: CHUK is on the minus strand); the first of 2 consecutive T bases (chr10:100,217,984-100,217,985); duplicating either gives the same sequence. VCF-style (leftmost placement, unchanged base first): chr10-100217983-A-AT. GRCh37 (hg19) VCF-style: chr10-101977740-A-AT.
Other names: c.933+11dupA (NM_001278.5); c.933+11dup (NM_001320928.2).
Identifiers: ClinVar variation 1603888 (VCV001603888.9), dbSNP rs553851639, ClinGen allele CA5646564.

ClinVar aggregate classification (germline): Benign. Review status: criteria provided, multiple submitters, no conflicts (2 of 4 stars). 2 submissions from 2 submitters: Benign (2). Last evaluated 2026-02-06.

Submissions (2):

Women's Health and Genetics/Laboratory Corporation of America, LabCorp
Classification: Benign. Last evaluated: 2026-02-06. Review status: criteria provided, single submitter. Criteria: LabCorp Variant Classification Summary - May 2015. Collection method: clinical testing. Allele origin: germline.
Comment: Variant summary: CHUK c.933+11dupA alters a nucleotide located at a position not widely known to affect splicing. Consensus agreement among computation tools predict no significant impact on normal splicing. However, these predictions have yet to be confirmed by functional studies. The variant allele was found at a frequency of 0.0022 in 251340 control chromosomes in the gnomAD database, including 4 homozygotes. The observed variant frequency exceeds the estimated maximal expected allele frequency for disease-causing variants in CHUK. To our knowledge, no occurrence of c.933+11dupA in individuals affected with CHUK-related conditions and no experimental evidence demonstrating its impact on protein function have been reported. ClinVar contains an entry for this variant (Variation ID: 1603888). Based on the evidence outlined above, the variant was classified as benign.

Labcorp Genetics (formerly Invitae), Labcorp
Classification: Benign. Last evaluated: 2026-02-01. Review status: criteria provided, single submitter. Criteria: Invitae Variant Classification Sherloc (09022015). Collection method: clinical testing. Allele origin: germline.